The following is an entry in ClinVar:

ClinVar aggregate classification (germline): Uncertain significance. Review status: criteria provided, multiple submitters, no conflicts (2 of 4 stars). 2 submissions from 2 submitters: Uncertain significance (2). Last evaluated 2025-07-02.

Conditions:
Inborn genetic diseases. Identifiers: MedGen C0950123, MeSH D030342.
Mosaic variegated aneuploidy syndrome 1 (MVA1). Also called: Warburton-Anyane-Yeboa syndrome. Identifiers: Orphanet 1052, MedGen C1850343, MONDO:0009759, OMIM 257300.

Allele frequency attached by ClinVar (database versions not stated): gnomAD 0.00001; TOPMed 0.00002.
gnomAD v4.1: 1 of 1,613,012 alleles (0.000062%); highest among the groups gnomAD compares: African/African-American, 0.0013%; no homozygotes.

Submissions (2):

Ambry Genetics
Classification: Uncertain significance for Inborn genetic diseases. Last evaluated: 2025-07-02. Review status: criteria provided, single submitter. Criteria: Ambry Variant Classification Scheme 2023. Collection method: clinical testing. Allele origin: germline.

Labcorp Genetics (formerly Invitae), Labcorp
Classification: Uncertain significance for Mosaic variegated aneuploidy syndrome 1. Last evaluated: 2023-02-23. Review status: criteria provided, single submitter. Criteria: Invitae Variant Classification Sherloc (09022015). Collection method: clinical testing. Allele origin: germline.
Comment: An algorithm developed to predict the effect of missense changes on protein structure and function (PolyPhen-2) suggests that this variant is likely to be disruptive. This variant has not been reported in the literature in individuals affected with BUB1B-related conditions. This variant is not present in population databases (gnomAD no frequency). This sequence change replaces glutamic acid, which is acidic and polar, with glycine, which is neutral and non-polar, at codon 708 of the BUB1B protein (p.Glu708Gly). In summary, the available evidence is currently insufficient to determine the role of this variant in disease. Therefore, it has been classified as a Variant of Uncertain Significance.

NM_001211.6(BUB1B):c.2123A>G (p.Glu708Gly)

Gene: BUB1B (BUB1 mitotic checkpoint serine/threonine kinase B; plus strand). Cytogenetic location: 15q15.1.
Variant type: single nucleotide variant.
Coding change: c.2123A>G on transcript NM_001211.6 (MANE Select); coding-DNA position 2123, A replaced by G.
Protein change: p.Glu708Gly; replaces glutamic acid 708 with glycine.
Molecular consequence: missense variant.
Genome position (GRCh38, 1-based): chr15:40,208,750, A>G. VCF-style: chr15-40208750-A-G. GRCh37 (hg19) VCF-style: chr15-40500951-A-G.
Other names: short protein forms E708G.
Identifiers: ClinVar variation 2909760 (VCV002909760.5), dbSNP rs1325766936, ClinGen allele CA391693848.